The following is an entry in ClinVar:

NM_001370338.1(SLC7A2):c.533-4A>G

Gene: SLC7A2 (solute carrier family 7 member 2; plus strand). Cytogenetic location: 8p22.
Variant type: single nucleotide variant.
Coding change: c.533-4A>G on transcript NM_001370338.1 (MANE Select); 4 bases into the intron before coding-DNA position 533, A replaced by G.
Molecular consequence: intron variant.
Genome position (GRCh38, 1-based): chr8:17,548,674, A>G. VCF-style: chr8-17548674-A-G. GRCh37 (hg19) VCF-style: chr8-17406183-A-G.
Other names: c.533-4A>G (NM_001370337.1, NM_001008539.4); c.653-4A>G (NM_001164771.2, NM_003046.6).
Identifiers: ClinVar variation 3060185 (VCV003060185.2), dbSNP rs737039, ClinGen allele CA4644731.

ClinVar aggregate classification (germline): Benign (0 of 4 stars; one submission).

Conditions:
SLC7A2-related disorder. Also called: SLC7A2-related condition.

Allele frequency attached by ClinVar (database versions not stated): 1000 Genomes Project 0.52057; 1000 Genomes Project 30x 0.52389; gnomAD 0.55614; TOPMed 0.55696; ESP Exome Variant Server 0.55836; ExAC 0.59123; gnomAD exomes 0.61927.
gnomAD v4.1: 970,669 of 1,584,876 alleles (61%); highest among the groups gnomAD compares: Admixed American, 67%; 301,081 homozygotes.

Submission:

PreventionGenetics, part of Exact Sciences
Classification: Benign for SLC7A2-related condition. Last evaluated: 2019-10-30. Review status: no assertion criteria provided. Collection method: clinical testing. Allele origin: germline.
Comment: This variant is classified as benign based on ACMG/AMP sequence variant interpretation guidelines (Richards et al. 2015 PMID: 25741868, with internal and published modifications).